The following is an entry in ClinVar:

NM_006231.4(POLE):c.4680C>T (p.Asp1560=)

Gene: POLE (DNA polymerase epsilon, catalytic subunit; minus strand). Cytogenetic location: 12q24.33.
Variant type: single nucleotide variant.
Coding change: c.4680C>T on transcript NM_006231.4 (MANE Select); coding-DNA position 4680, C replaced by T.
Protein change: p.Asp1560=; no amino-acid change (aspartic acid 1560 retained).
Molecular consequence: synonymous variant.
Genome position (GRCh38, 1-based): chr12:132,642,868, G>A on the plus strand (C>T on the coding strand, the complement: POLE is on the minus strand). VCF-style: chr12-132642868-G-A. GRCh37 (hg19) VCF-style: chr12-133219454-G-A.
Identifiers: ClinVar variation 413558 (VCV000413558.19), dbSNP rs774425403, ClinGen allele CA6892746.

ClinVar aggregate classification (germline): Conflicting classifications of pathogenicity. Review status: criteria provided, conflicting classifications (1 of 4 stars). 3 submissions from 3 submitters: Uncertain significance (1); Likely benign (2). Last evaluated 2025-12-16.

Conditions:
Hereditary cancer-predisposing syndrome. Also called: Neoplastic Syndromes, Hereditary; Tumor predisposition; Hereditary Cancer Syndrome; Hereditary neoplastic syndrome. Identifiers: Orphanet 140162, MedGen C0027672, MeSH D009386, MONDO:0015356.

Allele frequency attached by ClinVar (database versions not stated): TOPMed 0.00002.
gnomAD v4.1: 38 of 1,613,892 alleles (0.0024%); highest among the groups gnomAD compares: Non-Finnish European, 0.0028%; no homozygotes.

Submissions (3):

Labcorp Genetics (formerly Invitae), Labcorp
Classification: Likely benign. Last evaluated: 2025-12-16. Review status: criteria provided, single submitter. Criteria: Invitae Variant Classification Sherloc (09022015). Collection method: clinical testing. Allele origin: germline.

GeneDx
Classification: Uncertain significance. Last evaluated: 2023-08-22. Review status: criteria provided, single submitter. Criteria: GeneDx Variant Classification Process June 2021. Collection method: clinical testing. Allele origin: germline. Affected: yes.
Comment: Has not been previously published as germline pathogenic or benign to our knowledge; In silico analysis supports that this variant does not alter splicing; This variant is associated with the following publications: (PMID: 25186949)

Ambry Genetics
Classification: Likely benign for Hereditary cancer-predisposing syndrome. Last evaluated: 2016-05-23. Review status: criteria provided, single submitter. Criteria: Ambry Variant Classification Scheme 2023. Collection method: clinical testing. Allele origin: germline.